The following is an entry in ClinVar:

ClinVar aggregate classification (germline): Uncertain significance. Review status: criteria provided, multiple submitters, no conflicts (2 of 4 stars). 2 submissions from 2 submitters: Uncertain significance (2). Last evaluated 2025-08-21.

Conditions:
Inborn genetic diseases. Identifiers: MedGen C0950123, MeSH D030342.

Allele frequency attached by ClinVar (database versions not stated): gnomAD exomes below 0.00001; ExAC 0.00001; TOPMed 0.00002; gnomAD 0.00003; ESP Exome Variant Server 0.00008.
gnomAD v4.1: 10 of 1,613,556 alleles (0.00062%); highest among the groups gnomAD compares: African/African-American, 0.011%; no homozygotes.

Submissions (2):

Ambry Genetics
Classification: Uncertain significance for Inborn genetic diseases. Last evaluated: 2025-08-21. Review status: criteria provided, single submitter. Criteria: Ambry Variant Classification Scheme 2023. Collection method: clinical testing. Allele origin: germline.

Labcorp Genetics (formerly Invitae), Labcorp
Classification: Uncertain significance. Last evaluated: 2022-09-03. Review status: criteria provided, single submitter. Criteria: Invitae Variant Classification Sherloc (09022015). Collection method: clinical testing. Allele origin: germline.
Comment: This sequence change replaces alanine, which is neutral and non-polar, with serine, which is neutral and polar, at codon 394 of the TBCD protein (p.Ala394Ser). The frequency data for this variant in the population databases is considered unreliable, as metrics indicate poor data quality at this position in the gnomAD database. This variant has not been reported in the literature in individuals affected with TBCD-related conditions. Algorithms developed to predict the effect of missense changes on protein structure and function are either unavailable or do not agree on the potential impact of this missense change (SIFT: "Deleterious"; PolyPhen-2: "Benign"; Align-GVGD: "Class C0"). In summary, the available evidence is currently insufficient to determine the role of this variant in disease. Therefore, it has been classified as a Variant of Uncertain Significance.

NM_005993.5(TBCD):c.1180G>T (p.Ala394Ser)

Gene: TBCD (tubulin folding cofactor D). Cytogenetic location: 17q25.3.
Variant type: single nucleotide variant.
Coding change: c.1180G>T on transcript NM_005993.5 (MANE Select); coding-DNA position 1180, G replaced by T.
Protein change: p.Ala394Ser; replaces alanine 394 with serine.
Molecular consequence: missense variant.
Genome position (GRCh38, 1-based): chr17:82,809,739, G>T. VCF-style: chr17-82809739-G-T. GRCh37 (hg19) VCF-style: chr17-80767615-G-T.
Other names: c.1129G>T, p.Ala377Ser (NM_001411101.1); c.1180G>T, p.Ala394Ser (NM_001411102.1); c.1180G>T (NM_005993.4); short protein forms A394S, A377S.
Identifiers: ClinVar variation 1963085 (VCV001963085.3), dbSNP rs372635763, ClinGen allele CA8861933.